The following is an entry in ClinVar:

ClinVar aggregate classification (germline): Uncertain significance (1 of 4 stars; one submission).

gnomAD v4.1: 2 of 1,613,886 alleles (0.00012%); highest among the groups gnomAD compares: Non-Finnish European, 0.000085%; no homozygotes.

Submission:

Ambry Genetics
Classification: Uncertain significance. Last evaluated: 2025-01-13. Review status: criteria provided, single submitter. Criteria: Ambry Variant Classification Scheme 2023. Collection method: clinical testing. Allele origin: germline.
Comment: The p.D1659V variant (also known as c.4976A>T), located in coding exon 21 of the WNK2 gene, results from an A to T substitution at nucleotide position 4976. The aspartic acid at codon 1659 is replaced by valine, an amino acid with highly dissimilar properties. This amino acid position is conserved. In addition, this alteration is predicted to be tolerated by in silico analysis. Based on the available evidence, the clinical significance of this variant remains unclear.

NM_006648.4(WNK2):c.4976A>T (p.Asp1659Val)

Gene: WNK2 (WNK lysine deficient protein kinase 2; plus strand). Cytogenetic location: 9q22.31.
Variant type: single nucleotide variant.
Coding change: c.4976A>T on transcript NM_006648.4 (MANE Select); coding-DNA position 4976, A replaced by T.
Protein change: p.Asp1659Val; replaces aspartic acid 1659 with valine.
Molecular consequence: missense variant.
Genome position (GRCh38, 1-based): chr9:93,292,347, A>T. VCF-style: chr9-93292347-A-T. GRCh37 (hg19) VCF-style: chr9-96054629-A-T.
Other names: c.5087A>T, p.Asp1696Val (NM_001282394.3); short protein forms D1659V, D1696V.
Identifiers: ClinVar variation 3816836 (VCV003816836.1).